The following is an entry in ClinVar:

NM_018136.5(ASPM):c.6623_6626del (p.Tyr2208fs)

Gene: ASPM (assembly factor for spindle microtubules; minus strand). Cytogenetic location: 1q31.3.
Variant type: Deletion.
Coding change: c.6623_6626del on transcript NM_018136.5 (MANE Select); coding-DNA positions 6623 to 6626, 4 bases deleted (ACTT; older notation c.6623_6626delACTT).
Protein change: p.Tyr2208fs; shifts the reading frame from tyrosine 2208.
Molecular consequence: frameshift variant. On other transcripts: intron variant (1).
Genome position (GRCh38, 1-based): chr1:197,102,625-197,102,628, AAGT deleted on the plus strand (ACTT on the coding strand, the reverse complement: ASPM is on the minus strand); deleting any 4 consecutive bases within chr1:197,102,625-197,102,629 gives the same sequence; the c. name uses the placement nearest the transcript's 3' end. VCF-style (leftmost placement, unchanged base first): chr1-197102624-AAAGT-A. GRCh37 (hg19) VCF-style: chr1-197071754-AAAGT-A.
Other names: c.4066-6464_4066-6461del (NM_001206846.2); short protein forms Y2208fs.
Identifiers: ClinVar variation 806300 (VCV000806300.42), dbSNP rs1571599902, ClinGen allele CA915941936.

ClinVar aggregate classification (germline): Pathogenic (1 of 4 stars; one submission).

Submission:

CeGaT Center for Human Genetics Tuebingen
Classification: Pathogenic. Last evaluated: 2023-01-01. Review status: criteria provided, single submitter. Criteria: CeGaT Center For Human Genetics Tuebingen Variant Classification Criteria Version 2. Collection method: clinical testing. Allele origin: germline. Affected: yes. Observed: 2 variant alleles.
Comment: ASPM: PVS1, PM2